The following is an entry in ClinVar:

ClinVar aggregate classification (germline): Likely benign. Review status: criteria provided, multiple submitters, no conflicts (2 of 4 stars). 3 submissions from 3 submitters: Likely benign (3). Last evaluated 2025-09-05.

Conditions:
RASopathy. Also called: rasopathies; Noonan spectrum disorder. Identifiers: Orphanet 536391, MedGen C5555857, MONDO:0021060.

Allele frequency attached by ClinVar (database versions not stated): gnomAD exomes 0.00001; ExAC 0.00002.
gnomAD v4.1: 13 of 1,609,060 alleles (0.00081%); highest among the groups gnomAD compares: Middle Eastern, 0.017%; no homozygotes.

Submissions (3):

Labcorp Genetics (formerly Invitae), Labcorp
Classification: Likely benign for RASopathy. Last evaluated: 2025-09-05. Review status: criteria provided, single submitter. Criteria: Invitae Variant Classification Sherloc (09022015). Collection method: clinical testing. Allele origin: germline.

Blueprint Genetics
Classification: Likely benign. Last evaluated: 2024-11-26. Review status: criteria provided, single submitter. Criteria: ACMG Guidelines, 2015. Collection method: clinical testing. Allele origin: germline.

GeneDx
Classification: Likely benign. Last evaluated: 2016-05-18. Review status: criteria provided, single submitter. Criteria: GeneDx Variant Classification (06012015). Collection method: clinical testing. Allele origin: germline. Affected: yes.
Comment: This variant is considered likely benign or benign based on one or more of the following criteria: it is a conservative change, it occurs at a poorly conserved position in the protein, it is predicted to be benign by multiple in silico algorithms, and/or has population frequency not consistent with disease.

NM_002755.4(MAP2K1):c.568+9T>C

Gene: MAP2K1 (mitogen-activated protein kinase kinase 1; plus strand). Cytogenetic location: 15q22.31.
Variant type: single nucleotide variant.
Coding change: c.568+9T>C on transcript NM_002755.4 (MANE Select); 9 bases into the intron after coding-DNA position 568, T replaced by C.
Molecular consequence: intron variant.
Genome position (GRCh38, 1-based): chr15:66,444,716, T>C. VCF-style: chr15-66444716-T-C. GRCh37 (hg19) VCF-style: chr15-66737054-T-C.
Identifiers: ClinVar variation 378987 (VCV000378987.10), dbSNP rs748379069, ClinGen allele CA7623968.